The following is an entry in ClinVar:

ClinVar aggregate classification (germline): Conflicting classifications of pathogenicity. Review status: criteria provided, conflicting classifications (1 of 4 stars). 6 submissions from 6 submitters: Pathogenic (2); Likely pathogenic (2); Uncertain significance (1). 1 of the submissions does not count toward it. Last evaluated 2025-06-30.

Conditions:
Hereditary leiomyomatosis and renal cell cancer. Also called: LEIOMYOMA, MULTIPLE CUTANEOUS; Reed syndrome; Multiple cutaneous and uterine leiomyomatosis; Cutaneous leiomyomata with uterine leiomyomata; Leiomyoma, hereditary multiple, of skin; Multiple cutaneous and uterine leiomyomata. Identifiers: Orphanet 523, MedGen C1708350, MONDO:0007888, OMIM 150800, HP:0007437. Disease mechanism: loss of function.
Hereditary cancer-predisposing syndrome. Also called: Tumor predisposition; Hereditary Cancer Syndrome; Hereditary neoplastic syndrome; Neoplastic Syndromes, Hereditary. Identifiers: Orphanet 140162, MedGen C0027672, MeSH D009386, MONDO:0015356.

gnomAD v4.1: 2 of 1,613,918 alleles (0.00012%); highest among the groups gnomAD compares: Non-Finnish European, 0.00017%; no homozygotes.

Submissions (7):

Labcorp Genetics (formerly Invitae), Labcorp
Classification: Pathogenic. Last evaluated: 2025-06-30. Review status: criteria provided, single submitter. Criteria: Invitae Variant Classification Sherloc (09022015). Collection method: clinical testing. Allele origin: germline.
Comment: This sequence change replaces alanine, which is neutral and non-polar, with proline, which is neutral and non-polar, at codon 298 of the FH protein (p.Ala298Pro). This variant is not present in population databases (gnomAD no frequency). This missense change has been observed in individual(s) with hereditary leiomyomatosis and renal cell cancer (HLRCC) (PMID: 22764886; internal data). ClinVar contains an entry for this variant (Variation ID: 198045). Invitae Evidence Modeling of protein sequence and biophysical properties (such as structural, functional, and spatial information, amino acid conservation, physicochemical variation, residue mobility, and thermodynamic stability) indicates that this missense variant is expected to disrupt FH protein function with a positive predictive value of 95%. Experimental studies have shown that this missense change affects FH function (PMID: 22764886). For these reasons, this variant has been classified as Pathogenic.

Myriad Genetics, Inc.
Classification: Likely pathogenic for Hereditary leiomyomatosis and renal cell cancer. Last evaluated: 2023-04-26. Review status: criteria provided, single submitter. Criteria: Myriad Autosomal Dominant, Autosomal Recessive and X-Linked Classification Criteria (2023). Collection method: clinical testing. Allele origin: unknown.
Comment: This variant is considered likely pathogenic. This variant has been reported in multiple individuals with clinical features of gene-specific disease [PMID: 22764886, Myriad internal data].

Ambry Genetics
Classification: Pathogenic for Hereditary cancer-predisposing syndrome. Last evaluated: 2023-04-25. Review status: criteria provided, single submitter. Criteria: Ambry Variant Classification Scheme 2023. Collection method: clinical testing. Allele origin: germline.
Comment: The p.A298P pathogenic mutation (also known as c.892G>C), located in coding exon 6 of the FH gene, results from a G to C substitution at nucleotide position 892. The alanine at codon 298 is replaced by proline, an amino acid with highly similar properties. This alteration has been observed in multiple individuals with a personal and/or family history that is consistent with FH-related disease (Ambry internal data; Kubinova K et al. J Obstet Gynaecol Res 2013 Jan;39(1):410-4.). This alteration has been shown to segregate with disease in multiple families (Ambry internal data). Additionally, carriers of this alteration were shown to have decreased fumarate hydratase activity in lymphocytes (Kubinova K et al. J Obstet Gynaecol Res 2013 Jan;39(1):410-4.). This variant is considered to be rare based on population cohorts in the Genome Aggregation Database (gnomAD). This amino acid position is well conserved in available vertebrate species. In addition, this alteration is predicted to be deleterious by in silico analysis. Based on the supporting evidence, this alteration is interpreted as a disease-causing mutation.

GeneDx
Classification: Likely pathogenic. Last evaluated: 2018-07-10. Review status: criteria provided, single submitter. Criteria: GeneDx Variant Classification (06012015). Collection method: clinical testing. Allele origin: germline. Affected: yes.
Comment: The A298P variant has been reported previously in association with uterine fibroids and decreased fumarate hydratase activity (Kubinova et al., 2013). The variant was not observed in approximately 6,500 individuals of European and African American ancestry in the NHLBI Exome Sequencing Project, indicating it is not a common benign variant in these populations. The A298P variant is a semi-conservative amino acid substitution, which may impact secondary protein structure as these residues differ in some properties; however, this substitution occurs at a position that is not conserved. A missense variant in a nearby residue (L303S) has been reported in the Human Gene Mutation Database in association with fumarase deficiency (Stenson et al., 2014), supporting the functional importance of this region of the protein. Based on the currently available information, we consider this variant to be likely pathogenic; however, the possibility that it is benign cannot be excluded.

Eurofins Ntd Llc (ga)
Classification: Uncertain significance. Last evaluated: 2015-05-28. Review status: criteria provided, single submitter. Criteria: EGL Classification Definitions 2015. Collection method: clinical testing. Allele origin: germline. Observed: 1 variant allele, 1 heterozygote.

Blake Wilde Laboratory, Roswell Park Comprehensive Cancer Center
No classification provided (evidence only). Condition: Hereditary leiomyomatosis and renal cell cancer. Review status: no classification provided. Collection method: in vitro. Allele origin: not applicable. Functional consequence: decreased enzyme activity. Not counted in ClinVar's aggregate classification.

Genomic Diagnostic Laboratory, Division of Genomic Diagnostics, Children's Hospital of Philadelphia
Classification: Uncertain significance for Hereditary leiomyomatosis and renal cell cancer. Last evaluated: 2017-01-17. Review status: flagged submission. Criteria: DGD Variant Analysis Guidelines. Collection method: clinical testing. Allele origin: germline. Affected: yes. Observed: 2 variant alleles. Not counted in ClinVar's aggregate classification.
Comment: Clinical Testing
ClinVar note: Reason: Claim with insufficient supporting evidence

Literature cited by the submitters: PubMed 22764886 (cited by 4 submitters).

NM_000143.4(FH):c.892G>C (p.Ala298Pro)

Gene: FH (fumarate hydratase; minus strand). Cytogenetic location: 1q43.
Variant type: single nucleotide variant.
Coding change: c.892G>C on transcript NM_000143.4 (MANE Select); coding-DNA position 892, G replaced by C.
Protein change: p.Ala298Pro; replaces alanine 298 with proline.
Molecular consequence: missense variant.
Genome position (GRCh38, 1-based): chr1:241,506,015, C>G on the plus strand (G>C on the coding strand, the complement: FH is on the minus strand). VCF-style: chr1-241506015-C-G. GRCh37 (hg19) VCF-style: chr1-241669315-C-G.
Other names: short protein forms A298P.
Identifiers: ClinVar variation 198045 (VCV000198045.23), dbSNP rs201395553, ClinGen allele CA246534.